The following is an entry in ClinVar:

NM_005204.4(MAP3K8):c.308C>T (p.Pro103Leu)

Gene: MAP3K8 (mitogen-activated protein kinase kinase kinase 8; plus strand). Cytogenetic location: 10p11.23.
Variant type: single nucleotide variant.
Coding change: c.308C>T on transcript NM_005204.4 (MANE Select); coding-DNA position 308, C replaced by T.
Protein change: p.Pro103Leu; replaces proline 103 with leucine.
Molecular consequence: missense variant.
Genome position (GRCh38, 1-based): chr10:30,439,246, C>T. VCF-style: chr10-30439246-C-T. GRCh37 (hg19) VCF-style: chr10-30728175-C-T.
Other names: c.308C>T, p.Pro103Leu (NM_001244134.1, NM_001320961.2); short protein forms P103L.
Identifiers: ClinVar variation 3694396 (VCV003694396.2).

ClinVar aggregate classification (germline): Uncertain significance (1 of 4 stars; one submission).

Submission:

Labcorp Genetics (formerly Invitae), Labcorp
Classification: Uncertain significance. Last evaluated: 2024-04-17. Review status: criteria provided, single submitter. Criteria: Invitae Variant Classification Sherloc (09022015). Collection method: clinical testing. Allele origin: germline.
Comment: This sequence change replaces proline, which is neutral and non-polar, with leucine, which is neutral and non-polar, at codon 103 of the MAP3K8 protein (p.Pro103Leu). This variant is not present in population databases (gnomAD no frequency). This variant has not been reported in the literature in individuals affected with MAP3K8-related conditions. An algorithm developed to predict the effect of missense changes on protein structure and function (PolyPhen-2) suggests that this variant is likely to be tolerated. In summary, the available evidence is currently insufficient to determine the role of this variant in disease. Therefore, it has been classified as a Variant of Uncertain Significance.